The following is an entry in ClinVar:

ClinVar aggregate classification (germline): Uncertain significance (1 of 4 stars; one submission).

Conditions:
Sulfite oxidase deficiency. Also called: Isolated sulfite oxidase deficiency. Identifiers: Orphanet 833, Orphanet 99731, MedGen C0268624, MONDO:0010089, OMIM 272300, HP:0003643.

Submission:

Labcorp Genetics (formerly Invitae), Labcorp
Classification: Uncertain significance for Sulfite oxidase deficiency. Last evaluated: 2026-01-04. Review status: criteria provided, single submitter. Criteria: Invitae Variant Classification Sherloc (09022015). Collection method: clinical testing. Allele origin: germline.
Comment: This sequence change replaces tyrosine, which is neutral and polar, with aspartic acid, which is acidic and polar, at codon 392 of the SUOX protein (p.Tyr392Asp). This variant is not present in population databases (gnomAD no frequency). This variant has not been reported in the literature in individuals affected with SUOX-related conditions. ClinVar contains an entry for this variant (Variation ID: 1511029). Invitae Evidence Modeling of protein sequence and biophysical properties (such as structural, functional, and spatial information, amino acid conservation, physicochemical variation, residue mobility, and thermodynamic stability) indicates that this missense variant is not expected to disrupt SUOX protein function with a negative predictive value of 95%. In summary, the available evidence is currently insufficient to determine the role of this variant in disease. Therefore, it has been classified as a Variant of Uncertain Significance.

NM_001032386.2(SUOX):c.1174T>G (p.Tyr392Asp)

Gene: SUOX (sulfite oxidase; plus strand). Cytogenetic location: 12q13.2.
Variant type: single nucleotide variant.
Coding change: c.1174T>G on transcript NM_001032386.2 (MANE Select); coding-DNA position 1174, T replaced by G.
Protein change: p.Tyr392Asp; replaces tyrosine 392 with aspartic acid.
Molecular consequence: missense variant.
Genome position (GRCh38, 1-based): chr12:56,004,563, T>G. VCF-style: chr12-56004563-T-G. GRCh37 (hg19) VCF-style: chr12-56398347-T-G.
Other names: c.1174T>G, p.Tyr392Asp (NM_000456.3, NM_001032387.2); short protein forms Y392D.
Identifiers: ClinVar variation 1511029 (VCV001511029.9), dbSNP rs75679657, ClinGen allele CA385291723.
Genomic context (GRCh38, chr12:56,004,563, plus strand): 5'-GTGGTGGGTGCCCGCCATGTCAAATGGCTGGGCAGAGTGAGTGTGCAGCCAGAGGAAAGT[T>G]ACAGCCACTGGCAACGGCGGGATTACAAAGGCTTCTCTCCATCTGTGGACTGGGAGACTG-3'
Protein context (NP_001027558.1, residues 382-402): GRVSVQPEES[Tyr392Asp]SHWQRRDYKG